The following is an entry in ClinVar:

ClinVar aggregate classification (germline): Conflicting classifications of pathogenicity. Review status: criteria provided, conflicting classifications (1 of 4 stars). 2 submissions from 2 submitters: Pathogenic (1); Uncertain significance (1). Last evaluated 2024-01-28.

Conditions:
Neuropathy, hereditary sensory, type 2C. Also called: KIF1A-Related HSAN2 (HSAN2C); Hereditary sensory and autonomic neuropathy type IIC. Identifiers: Orphanet 970, MedGen C3280168, MONDO:0013634, OMIM 614213.
Intellectual disability, autosomal dominant 9 (NESCAVS). Also called: NESCAV SYNDROME; KIF1A-Related Neurodevelopmental Disorder. Identifiers: Orphanet 662367, MedGen C5393830, MONDO:0013656, OMIM 614255.
Hereditary spastic paraplegia 30. Identifiers: Orphanet 101010, MedGen C5235139, MONDO:0012476.

Submissions (2):

GeneDx
Classification: Pathogenic. Last evaluated: 2024-01-28. Review status: criteria provided, single submitter. Criteria: GeneDx Variant Classification Process June 2021. Collection method: clinical testing. Allele origin: germline. Affected: yes.
Comment: Not observed at significant frequency in large population cohorts (gnomAD); In silico analysis supports that this missense variant has a deleterious effect on protein structure/function; This variant is associated with the following publications: (PMID: 26125038, 21820098, 21376300, 32737135)

Labcorp Genetics (formerly Invitae), Labcorp
Classification: Uncertain significance for Hereditary spastic paraplegia 30; Neuropathy, hereditary sensory, type 2C; Intellectual disability, autosomal dominant 9. Last evaluated: 2019-08-22. Review status: criteria provided, single submitter. Criteria: Invitae Variant Classification Sherloc (09022015). Collection method: clinical testing. Allele origin: germline.
Comment: This sequence change replaces glycine with aspartic acid at codon 117 of the KIF1A protein (p.Gly117Asp). The glycine residue is highly conserved and there is a moderate physicochemical difference between glycine and aspartic acid. This variant is not present in population databases (ExAC no frequency). This variant has not been reported in the literature in individuals with KIF1A-related conditions. Algorithms developed to predict the effect of missense changes on protein structure and function are either unavailable or do not agree on the potential impact of this missense change (SIFT: "Deleterious"; PolyPhen-2: "Benign"; Align-GVGD: "Class C65"). In summary, the available evidence is currently insufficient to determine the role of this variant in disease. Therefore, it has been classified as a Variant of Uncertain Significance.

NM_001244008.2(KIF1A):c.350G>A (p.Gly117Asp)

Gene: KIF1A (kinesin family member 1A; minus strand). Cytogenetic location: 2q37.3.
Variant type: single nucleotide variant.
Coding change: c.350G>A on transcript NM_001244008.2 (MANE Select); coding-DNA position 350, G replaced by A.
Protein change: p.Gly117Asp; replaces glycine 117 with aspartic acid.
Molecular consequence: missense variant.
Genome position (GRCh38, 1-based): chr2:240,788,064, C>T on the plus strand (G>A on the coding strand, the complement: KIF1A is on the minus strand). VCF-style: chr2-240788064-C-T. GRCh37 (hg19) VCF-style: chr2-241727481-C-T.
Other names: c.350G>A, p.Gly117Asp (NM_001320705.2, NM_001330289.2, NM_001330290.2 and 20 more transcripts); short protein forms G117D.
Identifiers: ClinVar variation 936699 (VCV000936699.11), dbSNP rs1200817308, ClinGen allele CA351309987.
Genomic context (GRCh38, chr2:240,788,064, plus strand): 5'-CCCGCCCCATCTGCCAGGGCTGCCCCCGCCCGCCCCCCGCTTCGTGCCTGTGGGATGATG[C>T]CCTGCTGGTCCTTCTCCTGCTTGCCCATCATGGTGTAGGACTTGCCGGCACCCGTCTGCC-3'
Protein context (NP_001230937.1, residues 107-127): MMGKQEKDQQ[Gly117Asp]IIPQLCEDLF